The following is an entry in ClinVar:

NM_024577.4(SH3TC2):c.830C>T (p.Thr277Met)

Gene: SH3TC2 (SH3 domain and tetratricopeptide repeats 2; minus strand). Cytogenetic location: 5q32.
Variant type: single nucleotide variant.
Coding change: c.830C>T on transcript NM_024577.4 (MANE Select); coding-DNA position 830, C replaced by T.
Protein change: p.Thr277Met; replaces threonine 277 with methionine.
Molecular consequence: missense variant.
Genome position (GRCh38, 1-based): chr5:149,038,466, G>A on the plus strand (C>T on the coding strand, the complement: SH3TC2 is on the minus strand). VCF-style: chr5-149038466-G-A. GRCh37 (hg19) VCF-style: chr5-148418029-G-A.
Other names: short protein forms T277M.
Identifiers: ClinVar variation 543415 (VCV000543415.59), dbSNP rs757969875, ClinGen allele CA3499369.

ClinVar aggregate classification (germline): Conflicting classifications of pathogenicity. Review status: criteria provided, conflicting classifications (1 of 4 stars). 8 submissions from 7 submitters: Uncertain significance (6); Likely benign (1). 1 of the submissions does not count toward it. Last evaluated 2026-08-12.

Conditions:
Charcot-Marie-Tooth disease type 4. Also called: Charcot-Marie-Tooth disease, type IV; Charcot-Marie-Tooth, Type 4. Identifiers: Orphanet 64749, MedGen C4082197, MONDO:0018995.
SH3TC2-related disorder. Also called: SH3TC2-related disorders; SH3TC2-related condition. Identifiers: MedGen CN239303.
Inborn genetic diseases. Identifiers: MedGen C0950123, MeSH D030342.
Charcot-Marie-Tooth disease type 4C (CMT4C). Also called: CMT 4C; Charcot-Marie-Tooth Neuropathy Type 4C (CMT4C); SH3TC2-Related Hereditary Motor and Sensory Neuropathy; CHARCOT-MARIE-TOOTH DISEASE, DEMYELINATING, TYPE 4C; CHARCOT-MARIE-TOOTH DISEASE, DEMYELINATING, AUTOSOMAL RECESSIVE, TYPE 4C. Identifiers: Orphanet 99949, MedGen C1866636, MONDO:0011113, OMIM 601596.
Susceptibility to mononeuropathy of the median nerve, mild. Also called: CARPAL TUNNEL SYNDROME, SUSCEPTIBILITY TO. Identifiers: MedGen C3150596, MONDO:0013237, OMIM 613353.
Charcot-Marie-Tooth disease. Also called: Charcot-Marie-Tooth Neuropathy; Charcot-Marie-Tooth Hereditary Neuropathy. Identifiers: Orphanet 166, MedGen C0007959, MONDO:0015626.

Allele frequency attached by ClinVar (database versions not stated): gnomAD 0.00001; ExAC 0.00002; TOPMed 0.00002; gnomAD exomes 0.00004 and 0.00005.
gnomAD v4.1: 74 of 1,613,884 alleles (0.0046%); highest among the groups gnomAD compares: Middle Eastern, 0.049%; no homozygotes.

Submissions (8):

PreventionGenetics, part of Exact Sciences
Classification: Uncertain significance for SH3TC2-related condition. Last evaluated: 2026-08-12. Review status: criteria provided, single submitter. Criteria: ACMG Guidelines, 2015. Collection method: clinical testing. Allele origin: germline.
Comment: The SH3TC2 c.830C>T variant is predicted to result in the amino acid substitution p.Thr277Met. This variant was reported in individuals with Charcot-Marie-Tooth (CMT) disease; however, evidence for pathogenicity was not provided (Table S2, Volodarsky et al. 2021. PubMed ID: 32376792). Family segregation analysis found the SH3TC2 variant was inherited from the unaffected father and the PMP22 variant was inherited from the affected mother (Zhu et al. 2025. PubMed ID: 40851281). This variant is reported in 0.015% of alleles in individuals of East Asian descent in gnomAD. This variant has conflicting classifications in the ClinVar database ranging from likely benign to uncertain (Variation ID: 543415). At this time, the clinical significance of this variant is uncertain due to the absence of conclusive functional and genetic evidence.

Labcorp Genetics (formerly Invitae), Labcorp
Classification: Likely benign for Charcot-Marie-Tooth disease type 4. Last evaluated: 2025-08-03. Review status: criteria provided, single submitter. Criteria: Invitae Variant Classification Sherloc (09022015). Collection method: clinical testing. Allele origin: germline.

Ambry Genetics
Classification: Uncertain significance for Inborn genetic diseases. Last evaluated: 2020-11-03. Review status: criteria provided, single submitter. Criteria: Ambry Variant Classification Scheme 2023. Collection method: clinical testing. Allele origin: germline.
Comment: The p.T277M variant (also known as c.830C>T), located in coding exon 8 of the SH3TC2 gene, results from a C to T substitution at nucleotide position 830. The threonine at codon 277 is replaced by methionine, an amino acid with similar properties. This amino acid position is not well conserved in available vertebrate species, and methionine is the reference amino acid in other vertebrate species. In addition, this alteration is predicted to be tolerated by in silico analysis. Since supporting evidence is limited at this time, the clinical significance of this alteration remains unclear.

CeGaT Center for Human Genetics Tuebingen
Classification: Uncertain significance. Last evaluated: 2019-09-01. Review status: criteria provided, single submitter. Criteria: CeGaT Center For Human Genetics Tuebingen Variant Classification Criteria Version 2. Collection method: clinical testing. Allele origin: germline. Affected: yes. Observed: 1 variant allele.

Illumina Laboratory Services, Illumina
Classification: Uncertain significance for Susceptibility to mononeuropathy of the median nerve, mild. Last evaluated: 2018-04-20. Review status: criteria provided, single submitter. Criteria: ICSL Variant Classification Criteria 13 December 2019. Collection method: clinical testing. Allele origin: germline.

Illumina Laboratory Services, Illumina
Classification: Uncertain significance for Charcot-Marie-Tooth disease type 4C. Last evaluated: 2018-04-20. Review status: criteria provided, single submitter. Criteria: ICSL Variant Classification Criteria 13 December 2019. Collection method: clinical testing. Allele origin: germline.

Molecular Genetics Laboratory, London Health Sciences Centre
Classification: Uncertain significance for Charcot-Marie-Tooth disease. Review status: criteria provided, single submitter. Criteria: ACMG Guidelines, 2015. Collection method: clinical testing. Allele origin: germline. Affected: yes.

Genesis Genome Database
Classification: Uncertain significance for Charcot-Marie-Tooth disease. Last evaluated: 2019-08-14. Review status: no assertion criteria provided. Collection method: research. Allele origin: germline. Affected: yes. Not counted in ClinVar's aggregate classification.